The following is an entry in ClinVar:

NM_006996.3(SLC19A2):c.806C>T (p.Pro269Leu)

Gene: SLC19A2 (solute carrier family 19 member 2; minus strand). Cytogenetic location: 1q24.2.
Variant type: single nucleotide variant.
Coding change: c.806C>T on transcript NM_006996.3 (MANE Select); coding-DNA position 806, C replaced by T.
Protein change: p.Pro269Leu; replaces proline 269 with leucine.
Molecular consequence: missense variant. On other transcripts: intron variant (1).
Genome position (GRCh38, 1-based): chr1:169,477,156, G>A on the plus strand (C>T on the coding strand, the complement: SLC19A2 is on the minus strand). VCF-style: chr1-169477156-G-A. GRCh37 (hg19) VCF-style: chr1-169446394-G-A.
Other names: c.205-6970C>T (NM_001319667.1); c.806C>T (NM_006996.2); short protein forms P269L.
Identifiers: ClinVar variation 1939880 (VCV001939880.3), dbSNP rs370511652, ClinGen allele CA1233006.

ClinVar aggregate classification (germline): Uncertain significance. Review status: criteria provided, multiple submitters, no conflicts (2 of 4 stars). 2 submissions from 2 submitters: Uncertain significance (2). Last evaluated 2025-01-31.

Conditions:
Inborn genetic diseases. Identifiers: MedGen C0950123, MeSH D030342.

Allele frequency attached by ClinVar (database versions not stated): ExAC 0.00001; gnomAD 0.00001; TOPMed 0.00002; ESP Exome Variant Server 0.00008.
gnomAD v4.1: 13 of 1,613,348 alleles (0.00081%); highest among the groups gnomAD compares: South Asian, 0.0022%; no homozygotes.

Submissions (2):

Ambry Genetics
Classification: Uncertain significance for Inborn genetic diseases. Last evaluated: 2025-01-31. Review status: criteria provided, single submitter. Criteria: Ambry Variant Classification Scheme 2023. Collection method: clinical testing. Allele origin: germline.

Labcorp Genetics (formerly Invitae), Labcorp
Classification: Uncertain significance. Last evaluated: 2022-09-19. Review status: criteria provided, single submitter. Criteria: Invitae Variant Classification Sherloc (09022015). Collection method: clinical testing. Allele origin: germline.
Comment: This sequence change replaces proline, which is neutral and non-polar, with leucine, which is neutral and non-polar, at codon 269 of the SLC19A2 protein (p.Pro269Leu). This variant is present in population databases (rs370511652, gnomAD 0.007%). This variant has not been reported in the literature in individuals affected with SLC19A2-related conditions. Algorithms developed to predict the effect of missense changes on protein structure and function output the following: SIFT: "Tolerated"; PolyPhen-2: "Benign"; Align-GVGD: "Class C0". The leucine amino acid residue is found in multiple mammalian species, which suggests that this missense change does not adversely affect protein function. In summary, the available evidence is currently insufficient to determine the role of this variant in disease. Therefore, it has been classified as a Variant of Uncertain Significance.